The following is an entry in ClinVar:

ClinVar aggregate classification (germline): Likely benign. Review status: criteria provided, single submitter (1 of 4 stars). 2 submissions from 2 submitters: Likely benign (1). 1 of the submissions does not count toward it. Last evaluated 2023-01-02.

Conditions:
CHCHD2-related disorder. Also called: CHCHD2-related condition.

Allele frequency attached by ClinVar (database versions not stated): ExAC 0.00001; gnomAD 0.00002; TOPMed 0.00004.

Submissions (2):

Labcorp Genetics (formerly Invitae), Labcorp
Classification: Likely benign. Last evaluated: 2023-01-02. Review status: criteria provided, single submitter. Criteria: Invitae Variant Classification Sherloc (09022015). Collection method: clinical testing. Allele origin: germline.

PreventionGenetics, part of Exact Sciences
Classification: Likely benign for CHCHD2-related condition. Last evaluated: 2022-10-18. Review status: no assertion criteria provided. Collection method: clinical testing. Allele origin: germline. Not counted in ClinVar's aggregate classification.
Comment: This variant is classified as likely benign based on ACMG/AMP sequence variant interpretation guidelines (Richards et al. 2015 PMID: 25741868, with internal and published modifications).

NM_016139.4(CHCHD2):c.78C>T (p.Pro26=)

Gene: CHCHD2 (coiled-coil-helix-coiled-coil-helix domain containing 2; minus strand). Cytogenetic location: 7p11.2.
Variant type: single nucleotide variant.
Coding change: c.78C>T on transcript NM_016139.4 (MANE Select); coding-DNA position 78, C replaced by T.
Protein change: p.Pro26=; no amino-acid change (proline 26 retained).
Molecular consequence: synonymous variant.
Genome position (GRCh38, 1-based): chr7:56,104,448, G>A on the plus strand (C>T on the coding strand, the complement: CHCHD2 is on the minus strand). VCF-style: chr7-56104448-G-A. GRCh37 (hg19) VCF-style: chr7-56172141-G-A.
Other names: c.78C>T, p.Pro26= (NM_001320327.2); c.78C>T (NM_016139.3).
Identifiers: ClinVar variation 2196911 (VCV002196911.6), dbSNP rs753881759, ClinGen allele CA4270585.